The following is an entry in ClinVar:

ClinVar aggregate classification (germline): Uncertain significance (1 of 4 stars; one submission).

Conditions:
Fanconi anemia (FA). Also called: Fanconi's anemia. Identifiers: Orphanet 84, MedGen C0015625, MeSH D005199, MONDO:0019391.

Submission:

Labcorp Genetics (formerly Invitae), Labcorp
Classification: Uncertain significance for Fanconi anemia. Last evaluated: 2024-10-14. Review status: criteria provided, single submitter. Criteria: Invitae Variant Classification Sherloc (09022015). Collection method: clinical testing. Allele origin: germline.
Comment: This sequence change replaces threonine, which is neutral and polar, with isoleucine, which is neutral and non-polar, at codon 532 of the FANCB protein (p.Thr532Ile). This variant is not present in population databases (gnomAD no frequency). This variant has not been reported in the literature in individuals affected with FANCB-related conditions. An algorithm developed to predict the effect of missense changes on protein structure and function (PolyPhen-2) suggests that this variant is likely to be disruptive. In summary, the available evidence is currently insufficient to determine the role of this variant in disease. Therefore, it has been classified as a Variant of Uncertain Significance.

NM_001018113.3(FANCB):c.1595C>T (p.Thr532Ile)

Gene: FANCB (FA complementation group B; minus strand). Cytogenetic location: Xp22.2.
Variant type: single nucleotide variant.
Coding change: c.1595C>T on transcript NM_001018113.3 (MANE Select); coding-DNA position 1595, C replaced by T.
Protein change: p.Thr532Ile; replaces threonine 532 with isoleucine.
Molecular consequence: missense variant.
Genome position (GRCh38, 1-based): chrX:14,845,188, G>A on the plus strand (C>T on the coding strand, the complement: FANCB is on the minus strand). VCF-style: chrX-14845188-G-A. GRCh37 (hg19) VCF-style: chrX-14863310-G-A.
Other names: c.1595C>T, p.Thr532Ile (NM_001410764.1, NM_152633.4, NM_001324162.2); short protein forms T532I.
Identifiers: ClinVar variation 3677935 (VCV003677935.2).